The following is an entry in ClinVar:

NM_201253.3(CRB1):c.3102G>A (p.Trp1034Ter)

Gene: CRB1 (crumbs cell polarity complex component 1; plus strand). Cytogenetic location: 1q31.3.
Variant type: single nucleotide variant.
Coding change: c.3102G>A on transcript NM_201253.3 (MANE Select); coding-DNA position 3102, G replaced by A.
Protein change: p.Trp1034Ter; replaces tryptophan 1034 with a stop codon.
Molecular consequence: nonsense. On other transcripts: non-coding transcript variant (2), intron variant (1).
Genome position (GRCh38, 1-based): chr1:197,434,965, G>A. VCF-style: chr1-197434965-G-A. GRCh37 (hg19) VCF-style: chr1-197404095-G-A.
Other names: c.2766G>A, p.Trp922Ter (NM_001193640.2); c.3030G>A, p.Trp1010Ter (NM_001257965.2); c.2129-635G>A (NM_001257966.2); short protein forms W1010*, W1034*, W922*.
Identifiers: ClinVar variation 1358615 (VCV001358615.6), dbSNP rs2125499463, ClinGen allele CA344045516.

ClinVar aggregate classification (germline): Pathogenic (1 of 4 stars; one submission).

Conditions:
Retinitis pigmentosa 12 (RP12). Also called: RP WITH OR WITHOUT PPRPE; RP WITH OR WITHOUT PRESERVED PARAARTERIOLE RETINAL PIGMENT EPITHELIUM; RETINITIS PIGMENTOSA WITH OR WITHOUT PARAARTERIOLAR PRESERVATION OF RETINAL PIGMENT EPITHELIUM. Identifiers: Orphanet 791, MedGen C1838647, MONDO:0010818, OMIM 600105.
Leber congenital amaurosis 8 (LCA8). Identifiers: Orphanet 65, MedGen C3151202, MONDO:0013453, OMIM 613835.

Submission:

Labcorp Genetics (formerly Invitae), Labcorp
Classification: Pathogenic for Leber congenital amaurosis 8; Retinitis pigmentosa 12. Last evaluated: 2021-03-26. Review status: criteria provided, single submitter. Criteria: Invitae Variant Classification Sherloc (09022015). Collection method: clinical testing. Allele origin: germline.
Comment: For these reasons, this variant has been classified as Pathogenic. This variant has not been reported in the literature in individuals with CRB1-related conditions. This variant is not present in population databases (ExAC no frequency). This sequence change creates a premature translational stop signal (p.Trp1034*) in the CRB1 gene. It is expected to result in an absent or disrupted protein product. Loss-of-function variants in CRB1 are known to be pathogenic (PMID: 10508521, 22065545, 23379534, 25412400, 26957898, 28041643, 29391521).

Literature cited by the submitters: PubMed 10508521; PubMed 22065545; PubMed 23379534; PubMed 25412400; PubMed 26957898; PubMed 28041643; PubMed 29391521.